The following is an entry in ClinVar:

ClinVar aggregate classification (germline): Likely benign (1 of 4 stars; one submission).

Allele frequency attached by ClinVar (database versions not stated): 1000 Genomes Project 0.00140; 1000 Genomes Project 30x 0.00156; TOPMed 0.00168; ExAC 0.00186; ESP Exome Variant Server 0.00208; gnomAD exomes 0.00235; gnomAD 0.00238.
gnomAD v4.1: 3,769 of 1,610,656 alleles (0.23%); highest among the groups gnomAD compares: Non-Finnish European, 0.24%; 9 homozygotes.

Submission:

CeGaT Center for Human Genetics Tuebingen
Classification: Likely benign. Last evaluated: 2022-08-01. Review status: criteria provided, single submitter. Criteria: CeGaT Center For Human Genetics Tuebingen Variant Classification Criteria Version 2. Collection method: clinical testing. Allele origin: germline. Affected: yes. Observed: 1 variant allele.
Comment: MAPK13: BP4, BP7

NM_002754.5(MAPK13):c.843T>G (p.Ala281=)

Gene: MAPK13 (mitogen-activated protein kinase 13; plus strand). Cytogenetic location: 6p21.31.
Variant type: single nucleotide variant.
Coding change: c.843T>G on transcript NM_002754.5 (MANE Select); coding-DNA position 843, T replaced by G.
Protein change: p.Ala281=; no amino-acid change (alanine 281 retained).
Molecular consequence: synonymous variant. On other transcripts: non-coding transcript variant (1).
Genome position (GRCh38, 1-based): chr6:36,138,880, T>G. VCF-style: chr6-36138880-T-G. GRCh37 (hg19) VCF-style: chr6-36106657-T-G.
Identifiers: ClinVar variation 2656513 (VCV002656513.24), dbSNP rs150922772, ClinGen allele CA3776731.